The following is an entry in ClinVar:

NM_003073.5(SMARCB1):c.986+1G>T

Gene: SMARCB1 (SWI/SNF related BAF chromatin remodeling complex subunit B1; plus strand). Cytogenetic location: 22q11.23.
Variant type: single nucleotide variant.
Coding change: c.986+1G>T on transcript NM_003073.5 (MANE Select); the canonical splice donor site of the intron after coding-DNA position 986, G replaced by T.
Molecular consequence: splice donor variant.
Genome position (GRCh38, 1-based): chr22:23,825,416, G>T. VCF-style: chr22-23825416-G-T. GRCh37 (hg19) VCF-style: chr22-24167603-G-T.
Other names: c.1040+1G>T (NM_001362877.2); c.1013+1G>T (NM_001317946.2); c.959+1G>T (NM_001007468.3).
Identifiers: ClinVar variation 1484080 (VCV001484080.8), dbSNP rs112038099, ClinGen allele CA410908383.

ClinVar aggregate classification (germline): Likely pathogenic (1 of 4 stars; one submission).

Submission:

Labcorp Genetics (formerly Invitae), Labcorp
Classification: Likely pathogenic. Last evaluated: 2020-11-26. Review status: criteria provided, single submitter. Criteria: Invitae Variant Classification Sherloc (09022015). Collection method: clinical testing. Allele origin: germline.
Comment: Studies have shown that variants in this donor splice site are associated with exon 7 skipping, which introduces a frameshift (PMID: 21108436, 10739763). The resulting mRNA is expected to undergo nonsense-mediated decay. In summary, the currently available evidence indicates that the variant is pathogenic, but additional data are needed to prove that conclusively. Therefore, this variant has been classified as Likely Pathogenic. Variants in this donor splice site have been observed in individual(s) with rhabdoid tumors (PMID: 21108436, 10739763). This variant is not present in population databases (ExAC no frequency). This sequence change affects a donor splice site in intron 7 of the SMARCB1 gene. RNA analysis indicates that this variant induces altered splicing and may result in an absent or disrupted protein product.

Literature cited by the submitters: PubMed 21108436; PubMed 10739763.